The following is an entry in ClinVar:

NM_000051.4(ATM):c.1475T>C (p.Phe492Ser)

Gene: ATM (ATM serine/threonine kinase; plus strand). Cytogenetic location: 11q22.3.
Variant type: single nucleotide variant.
Coding change: c.1475T>C on transcript NM_000051.4 (MANE Select); coding-DNA position 1475, T replaced by C.
Protein change: p.Phe492Ser; replaces phenylalanine 492 with serine.
Molecular consequence: missense variant.
Genome position (GRCh38, 1-based): chr11:108,250,940, T>C. VCF-style: chr11-108250940-T-C. GRCh37 (hg19) VCF-style: chr11-108121667-T-C.
Other names: c.1475T>C, p.Phe492Ser (NM_001351834.2); short protein forms F492S.
Identifiers: ClinVar variation 482567 (VCV000482567.4), dbSNP rs1555071017, ClinGen allele CA382534176.

ClinVar aggregate classification (germline): Uncertain significance (1 of 4 stars; one submission).

Conditions:
Hereditary cancer-predisposing syndrome. Also called: Neoplastic Syndromes, Hereditary; Tumor predisposition; Hereditary Cancer Syndrome; Hereditary neoplastic syndrome. Identifiers: Orphanet 140162, MedGen C0027672, MeSH D009386, MONDO:0015356.

Allele frequency attached by ClinVar (database versions not stated): gnomAD exomes below 0.00001.
gnomAD v4.1: 1 of 1,614,180 alleles (0.000062%); highest among the groups gnomAD compares: Non-Finnish European, 0.000085%; no homozygotes.

Submission:

Ambry Genetics
Classification: Uncertain significance for Hereditary cancer-predisposing syndrome. Last evaluated: 2016-02-03. Review status: criteria provided, single submitter. Criteria: Ambry Variant Classification Scheme 2023. Collection method: clinical testing. Allele origin: germline.
Comment: The p.F492S variant (also known as c.1475T>C), located in coding exon 9 of the ATM gene, results from a T to C substitution at nucleotide position 1475. The phenylalanine at codon 492 is replaced by serine, an amino acid with highly dissimilar properties. This variant was not reported in population based cohorts in the following databases: Database of Single Nucleotide Polymorphisms (dbSNP), NHLBI Exome Sequencing Project (ESP), and 1000 Genomes Project. In the ESP, this variant was not observed in 6499 samples (12998 alleles) with coverage at this position. To date, this alteration has been detected with an allele frequency of approximately 0.001% (greater than 125000 alleles tested) in our clinical cohort. This amino acid position is not well conserved in available vertebrate species. In addition, this alteration is predicted to be benign yet deleterious by PolyPhen and SIFT in silico analyses, respectively. Since supporting evidence is limited at this time, the clinical significance of this alteration remains unclear.